The following is an entry in ClinVar:

NM_018699.4(PRDM5):c.63G>A (p.Met21Ile)

Gene: PRDM5 (PR/SET domain 5; minus strand). Cytogenetic location: 4q27.
Variant type: single nucleotide variant.
Coding change: c.63G>A on transcript NM_018699.4 (MANE Select); coding-DNA position 63, G replaced by A.
Protein change: p.Met21Ile; replaces methionine 21 with isoleucine.
Molecular consequence: missense variant.
Genome position (GRCh38, 1-based): chr4:120,922,546, C>T on the plus strand (G>A on the coding strand, the complement: PRDM5 is on the minus strand). VCF-style: chr4-120922546-C-T. GRCh37 (hg19) VCF-style: chr4-121843701-C-T.
Other names: c.63G>A, p.Met21Ile (NM_001379106.1, NM_001300823.2, NM_001300824.2 and 1 more transcripts); short protein forms M21I.
Identifiers: ClinVar variation 4862482 (VCV004862482.1).

ClinVar aggregate classification (germline): Uncertain significance (1 of 4 stars; one submission).

Conditions:
Cardiovascular phenotype. Identifiers: MedGen CN230736.

Submission:

Ambry Genetics
Classification: Uncertain significance for Cardiovascular phenotype. Last evaluated: 2026-03-23. Review status: criteria provided, single submitter. Criteria: Ambry Variant Classification Scheme 2023. Collection method: clinical testing. Allele origin: germline.
Comment: The p.M21I variant (also known as c.63G>A), located in coding exon 1 of the PRDM5 gene, results from a G to A substitution at nucleotide position 63. The methionine at codon 21 is replaced by isoleucine, an amino acid with highly similar properties. This amino acid position is conserved. In addition, this alteration is predicted to be tolerated by in silico analysis. Based on the available evidence, the clinical significance of this variant remains unclear.